The following is an entry in ClinVar:

ClinVar aggregate classification (germline): Pathogenic (1 of 4 stars; one submission).

Conditions:
Hereditary cancer-predisposing syndrome. Also called: Hereditary Cancer Syndrome; Neoplastic Syndromes, Hereditary; Tumor predisposition; Hereditary neoplastic syndrome. Identifiers: Orphanet 140162, MedGen C0027672, MeSH D009386, MONDO:0015356.

Submission:

Ambry Genetics
Classification: Pathogenic for Hereditary cancer-predisposing syndrome. Last evaluated: 2026-07-22. Review status: criteria provided, single submitter. Criteria: Ambry Variant Classification Scheme 2023. Collection method: clinical testing. Allele origin: germline.
Comment: The p.Q147* pathogenic mutation (also known as c.439C>T), located in coding exon 1 of the CDKN1B gene, results from a C to T substitution at nucleotide position 439. This changes the amino acid from a glutamine to a stop codon within coding exon 1. This variant is considered to be rare based on population cohorts in the Genome Aggregation Database (gnomAD). This alteration is expected to result in loss of function by premature protein truncation or nonsense-mediated mRNA decay. As such, this alteration is interpreted as a disease-causing mutation.

NM_004064.5(CDKN1B):c.439C>T (p.Gln147Ter)

Gene: CDKN1B (cyclin dependent kinase inhibitor 1B; plus strand). Cytogenetic location: 12p13.1.
Variant type: single nucleotide variant.
Coding change: c.439C>T on transcript NM_004064.5 (MANE Select); coding-DNA position 439, C replaced by T.
Protein change: p.Gln147Ter; replaces glutamine 147 with a stop codon.
Molecular consequence: nonsense.
Genome position (GRCh38, 1-based): chr12:12,718,278, C>T. VCF-style: chr12-12718278-C-T. GRCh37 (hg19) VCF-style: chr12-12871212-C-T.
Other names: short protein forms Q147*.
Identifiers: ClinVar variation 5034233 (VCV005034233.1).